The following is an entry in ClinVar:

ClinVar aggregate classification (germline): Likely pathogenic (1 of 4 stars; one submission).

Submission:

GeneDx
Classification: Likely pathogenic. Last evaluated: 2016-03-06. Review status: criteria provided, single submitter. Criteria: GeneDx Variant Classification (06012015). Collection method: clinical testing. Allele origin: germline. Affected: yes.
Comment: The D338V variant in the DYNC1H1 gene has not been reported previously as a pathogenic variant, nor as a benign variant, to our knowledge. This variant was not observed in approximately 6500 individuals of European and African American ancestry in the NHLBI Exome Sequencing Project, indicating it is not a common benign variant in these populations. The D338V variant is a non-conservative amino acid substitution, which is likely to impact secondary protein structure as these residues differ in polarity, charge, size and/or other properties. This substitution occurs at a position that is conserved across species. In silico analysis is inconsistent in its predictions as to whether or not the variant is damaging to the protein structure/function. A missense variant in this residue (D338N) has been previously reported in association with spinal muscular atrophy with lower extremity predominance (Scoto et al., 2015), supporting the functional importance of this region of the protein. The D338V variant is a strong candidate for a pathogenic variant

NM_001376.5(DYNC1H1):c.1013A>T (p.Asp338Val)

Gene: DYNC1H1 (dynein cytoplasmic 1 heavy chain 1; plus strand). Cytogenetic location: 14q32.31.
Variant type: single nucleotide variant.
Coding change: c.1013A>T on transcript NM_001376.5 (MANE Select); coding-DNA position 1013, A replaced by T.
Protein change: p.Asp338Val; replaces aspartic acid 338 with valine.
Molecular consequence: missense variant.
Genome position (GRCh38, 1-based): chr14:101,983,070, A>T. VCF-style: chr14-101983070-A-T. GRCh37 (hg19) VCF-style: chr14-102449407-A-T.
Other names: short protein forms D338V.
Identifiers: ClinVar variation 246457 (VCV000246457.2), dbSNP rs879254267, ClinGen allele CA10584454.